The following is an entry in ClinVar:

ClinVar aggregate classification (germline): Uncertain significance. Review status: criteria provided, multiple submitters, no conflicts (2 of 4 stars). 2 submissions from 2 submitters: Uncertain significance (2). Last evaluated 2025-10-08.

Allele frequency attached by ClinVar (database versions not stated): ExAC 0.00021; ESP Exome Variant Server 0.00023; gnomAD exomes 0.00027; TOPMed 0.00028; gnomAD 0.00032.
gnomAD v4.1: 441 of 1,614,212 alleles (0.027%); highest among the groups gnomAD compares: Non-Finnish European, 0.034%; 1 homozygote.

Submissions (2):

Labcorp Genetics (formerly Invitae), Labcorp
Classification: Uncertain significance. Last evaluated: 2025-10-08. Review status: criteria provided, single submitter. Criteria: Invitae Variant Classification Sherloc (09022015). Collection method: clinical testing. Allele origin: germline.
Comment: This sequence change replaces aspartic acid, which is acidic and polar, with asparagine, which is neutral and polar, at codon 204 of the SPTB protein (p.Asp204Asn). This variant is present in population databases (rs144388267, gnomAD 0.05%). This variant has not been reported in the literature in individuals affected with SPTB-related conditions. ClinVar contains an entry for this variant (Variation ID: 2436421). An algorithm developed to predict the effect of missense changes on protein structure and function (PolyPhen-2) suggests that this variant is likely to be disruptive. In summary, the available evidence is currently insufficient to determine the role of this variant in disease. Therefore, it has been classified as a Variant of Uncertain Significance.

Revvity Omics, Revvity
Classification: Uncertain significance. Last evaluated: 2024-04-29. Review status: criteria provided, single submitter. Criteria: ACMG Guidelines, 2015. Collection method: clinical testing. Allele origin: germline.

NM_001355436.2(SPTB):c.610G>A (p.Asp204Asn)

Gene: SPTB (spectrin beta, erythrocytic; minus strand). Cytogenetic location: 14q23.3.
Variant type: single nucleotide variant.
Coding change: c.610G>A on transcript NM_001355436.2 (MANE Select); coding-DNA position 610, G replaced by A.
Protein change: p.Asp204Asn; replaces aspartic acid 204 with asparagine.
Molecular consequence: missense variant.
Genome position (GRCh38, 1-based): chr14:64,801,791, C>T on the plus strand (G>A on the coding strand, the complement: SPTB is on the minus strand). VCF-style: chr14-64801791-C-T. GRCh37 (hg19) VCF-style: chr14-65268509-C-T.
Other names: c.610G>A, p.Asp204Asn (NM_001024858.4, NM_001355437.2); short protein forms D204N.
Identifiers: ClinVar variation 2436421 (VCV002436421.5), dbSNP rs144388267, ClinGen allele CA7231391.
Genomic context (GRCh38, chr14:64,801,791, plus strand): 5'-CACGGCTGTCCCCTCCCTCTTACCGGTGCTTGTGTATCAGGGCATTAAAGGCCAAGCCAT[C>T]CTTCCAGCTGGAGGTAAAGTTGGTGACATTAACATGAGGGTAGCTGCATCCAAGAGAAAC-3'
Protein context (NP_001342365.1, residues 194-214): NVTNFTSSWK[Asp204Asn]GLAFNALIHK